The following is an entry in ClinVar:

ClinVar aggregate classification (germline): Conflicting classifications of pathogenicity. Review status: criteria provided, conflicting classifications (1 of 4 stars). 2 submissions from 2 submitters: Uncertain significance (1); Likely benign (1). Last evaluated 2025-08-05.

Allele frequency attached by ClinVar (database versions not stated): ExAC 0.00042; 1000 Genomes Project 30x 0.00094; 1000 Genomes Project 0.00100; ESP Exome Variant Server 0.00146; TOPMed 0.00153.
gnomAD v4.1: 414 of 1,613,792 alleles (0.026%); highest among the groups gnomAD compares: African/African-American, 0.49%; 1 homozygote.

Submissions (2):

Ambry Genetics
Classification: Uncertain significance. Last evaluated: 2025-08-05. Review status: criteria provided, single submitter. Criteria: Ambry Variant Classification Scheme 2023. Collection method: clinical testing. Allele origin: germline.

CeGaT Center for Human Genetics Tuebingen
Classification: Likely benign. Last evaluated: 2023-11-01. Review status: criteria provided, single submitter. Criteria: CeGaT Center For Human Genetics Tuebingen Variant Classification Criteria Version 2. Collection method: clinical testing. Allele origin: germline. Affected: yes. Observed: 2 variant alleles.
Comment: TOGARAM1: BP4, BS2

NM_001308120.2(TOGARAM1):c.3687G>C (p.Gln1229His)

Gene: TOGARAM1 (TOG array regulator of axonemal microtubules 1; plus strand). Cytogenetic location: 14q21.2.
Variant type: single nucleotide variant.
Coding change: c.3687G>C on transcript NM_001308120.2 (MANE Select); coding-DNA position 3687, G replaced by C.
Protein change: p.Gln1229His; replaces glutamine 1229 with histidine.
Molecular consequence: missense variant. On other transcripts: non-coding transcript variant (1).
Genome position (GRCh38, 1-based): chr14:45,032,251, G>C. VCF-style: chr14-45032251-G-C. GRCh37 (hg19) VCF-style: chr14-45501454-G-C.
Other names: c.3687G>C (NM_015091.2); c.3687G>C, p.Gln1229His (NM_015091.4); short protein forms Q1229H.
Identifiers: ClinVar variation 2644206 (VCV002644206.25), dbSNP rs141100163, ClinGen allele CA7167593.